The following is an entry in ClinVar:

ClinVar aggregate classification (germline): Uncertain significance. Review status: criteria provided, multiple submitters, no conflicts (2 of 4 stars). 3 submissions from 3 submitters: Uncertain significance (3). Last evaluated 2024-04-11.

Conditions:
Inborn genetic diseases. Identifiers: MedGen C0950123, MeSH D030342.
MHC class I deficiency. Identifiers: Orphanet 34592, MedGen C6024714, MONDO:0011476.

Allele frequency attached by ClinVar (database versions not stated): TOPMed 0.00005; gnomAD exomes 0.00006 and 0.00011; gnomAD 0.00009; ExAC 0.00012.
gnomAD v4.1: 168 of 1,608,196 alleles (0.01%); highest among the groups gnomAD compares: Non-Finnish European, 0.014%; no homozygotes.

Submissions (3):

Blueprint Genetics
Classification: Uncertain significance. Last evaluated: 2024-04-11. Review status: criteria provided, single submitter. Criteria: ACMG Guidelines, 2015. Collection method: clinical testing. Allele origin: germline.

Ambry Genetics
Classification: Uncertain significance for Inborn genetic diseases. Last evaluated: 2023-11-07. Review status: criteria provided, single submitter. Criteria: Ambry Variant Classification Scheme 2023. Collection method: clinical testing. Allele origin: germline.

Labcorp Genetics (formerly Invitae), Labcorp
Classification: Uncertain significance for MHC class I deficiency 1. Last evaluated: 2022-04-16. Review status: criteria provided, single submitter. Criteria: Invitae Variant Classification Sherloc (09022015). Collection method: clinical testing. Allele origin: germline.
Comment: This sequence change replaces glutamine, which is neutral and polar, with glutamic acid, which is acidic and polar, at codon 33 of the TAP2 protein (p.Gln33Glu). This variant is present in population databases (rs775446813, gnomAD 0.01%). This variant has not been reported in the literature in individuals affected with TAP2-related conditions. ClinVar contains an entry for this variant (Variation ID: 1041438). Algorithms developed to predict the effect of missense changes on protein structure and function are either unavailable or do not agree on the potential impact of this missense change (SIFT: "Tolerated"; PolyPhen-2: "Not Available"; Align-GVGD: "Class C0"). In summary, the available evidence is currently insufficient to determine the role of this variant in disease. Therefore, it has been classified as a Variant of Uncertain Significance.

NM_001290043.2(TAP2):c.97C>G (p.Gln33Glu)

Gene: TAP2 (transporter 2, ATP binding cassette subfamily B member; minus strand). Cytogenetic location: 6p21.32.
Variant type: single nucleotide variant.
Coding change: c.97C>G on transcript NM_001290043.2 (MANE Select); coding-DNA position 97, C replaced by G.
Protein change: p.Gln33Glu; replaces glutamine 33 with glutamic acid.
Molecular consequence: missense variant.
Genome position (GRCh38, 1-based): chr6:32,838,137, G>C on the plus strand (C>G on the coding strand, the complement: TAP2 is on the minus strand). VCF-style: chr6-32838137-G-C. GRCh37 (hg19) VCF-style: chr6-32805914-G-C.
Other names: c.97C>G, p.Gln33Glu (NM_000544.3, NM_018833.3); short protein forms Q33E.
Identifiers: ClinVar variation 1041438 (VCV001041438.7), dbSNP rs775446813, ClinGen allele CA3746227.